The following is an entry in ClinVar:

ClinVar aggregate classification (germline): Benign (1 of 4 stars; one submission).

Allele frequency attached by ClinVar (database versions not stated): gnomAD 0.84239 and 0.84502; TOPMed 0.85093; 1000 Genomes Project 30x 0.91224; 1000 Genomes Project 0.91354.

Submission:

GeneDx
Classification: Benign. Last evaluated: 2018-06-14. Review status: criteria provided, single submitter. Criteria: GeneDx Variant Classification (06012015). Collection method: clinical testing. Allele origin: germline. Affected: yes.
Comment: This variant is considered likely benign or benign based on one or more of the following criteria: it is a conservative change, it occurs at a poorly conserved position in the protein, it is predicted to be benign by multiple in silico algorithms, and/or has population frequency not consistent with disease.

NM_017547.4(FOXRED1):c.86-198_86-197insAAGG

Gene: FOXRED1 (FAD dependent oxidoreductase domain containing 1; plus strand). Cytogenetic location: 11q24.2.
Variant type: Insertion.
Coding change: c.86-198_86-197insAAGG on transcript NM_017547.4 (MANE Select); 198 bases into the intron before coding-DNA position 86 through 197 bases into the intron before coding-DNA position 86, AAGG inserted.
Molecular consequence: intron variant.
Genome position: GRCh38 VCF-style: chr11-126271239-A-AAAGG. GRCh37 (hg19) VCF-style: chr11-126141134-A-AAAGG.
Identifiers: ClinVar variation 678089 (VCV000678089.1), dbSNP rs56266376, ClinGen allele CA230561030.